The following is an entry in ClinVar:

ClinVar aggregate classification (germline): Uncertain significance (1 of 4 stars; one submission).

Conditions:
Hereditary cancer-predisposing syndrome. Also called: Neoplastic Syndromes, Hereditary; Hereditary Cancer Syndrome; Hereditary neoplastic syndrome; Tumor predisposition. Identifiers: Orphanet 140162, MedGen C0027672, MeSH D009386, MONDO:0015356.

Submission:

Ambry Genetics
Classification: Uncertain significance for Hereditary cancer-predisposing syndrome. Last evaluated: 2023-04-22. Review status: criteria provided, single submitter. Criteria: Ambry Variant Classification Scheme 2023. Collection method: clinical testing. Allele origin: germline.
Comment: The p.W1293C variant (also known as c.3879G>T), located in coding exon 31 of the TSC2 gene, results from a G to T substitution at nucleotide position 3879. The tryptophan at codon 1293 is replaced by cysteine, an amino acid with highly dissimilar properties. This amino acid position is conserved. In addition, this alteration is predicted to be deleterious by in silico analysis. Since supporting evidence is limited at this time, the clinical significance of this alteration remains unclear.

NM_000548.5(TSC2):c.3879G>T (p.Trp1293Cys)

Gene: TSC2 (TSC complex subunit 2; plus strand). Cytogenetic location: 16p13.3.
Variant type: single nucleotide variant.
Coding change: c.3879G>T on transcript NM_000548.5 (MANE Select); coding-DNA position 3879, G replaced by T.
Protein change: p.Trp1293Cys; replaces tryptophan 1293 with cysteine.
Molecular consequence: missense variant. On other transcripts: non-coding transcript variant (1), intron variant (33).
Genome position (GRCh38, 1-based): chr16:2,082,500, G>T. VCF-style: chr16-2082500-G-T. GRCh37 (hg19) VCF-style: chr16-2132501-G-T.
Other names: c.3147G>T, p.Trp1049Cys (NM_001318831.2); c.3747G>T, p.Trp1249Cys (NM_001370404.1, NM_001406665.1); c.3750G>T, p.Trp1250Cys (NM_001370405.1, NM_021055.3); c.3876G>T, p.Trp1292Cys (NM_001406663.1); c.3279G>T, p.Trp1093Cys (NM_001406680.1); c.2406G>T, p.Trp802Cys (NM_001406690.1); c.2403G>T, p.Trp801Cys (NM_001406691.1); c.2341+702G>T (NM_001406693.1, NM_001406692.1, NM_001406694.1); and 25 more; short protein forms W1049C, W1249C, W1093C, W1250C, W1292C, W801C, W1293C, W802C.
Identifiers: ClinVar variation 2564719 (VCV002564719.2), dbSNP rs2544192629, ClinGen allele CA394295294.
Genomic context (GRCh38, chr16:2,082,500, plus strand): 5'-CTCTTTCTCCTCCCTGTACCAGTCCAGCTGCCAAGGACAGCTGCACAGGAGCGTTTCCTG[G>T]GCAGGTATCGCCTCTCAGAGGGAAGCGGTTGGCTGCAGAGCGCCACTCTGCCTCATAGGT-3'
Protein context (NP_000539.2, residues 1283-1303): CQGQLHRSVS[Trp1293Cys]ADSAVVMEEG